The following is an entry in ClinVar:

NM_000222.3(KIT):c.1647G>C (p.Gln549His)

Gene: KIT (KIT proto-oncogene, receptor tyrosine kinase; plus strand). Cytogenetic location: 4q12.
Variant type: single nucleotide variant.
Coding change: c.1647G>C on transcript NM_000222.3 (MANE Select); coding-DNA position 1647, G replaced by C.
Protein change: p.Gln549His; replaces glutamine 549 with histidine.
Molecular consequence: missense variant.
Genome position (GRCh38, 1-based): chr4:54,727,324, G>C. VCF-style: chr4-54727324-G-C. GRCh37 (hg19) VCF-style: chr4-55593490-G-C.
Other names: c.1635G>C, p.Gln545His (NM_001093772.2, NM_001385286.1); c.1650G>C, p.Gln550His (NM_001385284.1, NM_001385290.1); c.1647G>C, p.Gln549His (NM_001385285.1); c.1638G>C, p.Gln546His (NM_001385288.1, NM_001385292.1); short protein forms Q545H, Q546H, Q549H, Q550H.
Identifiers: ClinVar variation 3901185 (VCV003901185.2).

ClinVar aggregate classification (germline): Likely pathogenic (1 of 4 stars; one submission).

Conditions:
Piebaldism. Also called: Piebald skin depigmentation. Identifiers: Orphanet 2884, MedGen C0080024, MONDO:0008244, OMIM 172800, HP:0007544.

Submission:

Institute of Human Genetics, University of Leipzig Medical Center
Classification: Likely pathogenic for Piebaldism. Last evaluated: 2025-06-20. Review status: criteria provided, single submitter. Criteria: ACMG Guidelines, 2015. Collection method: clinical testing. Allele origin: de novo. Inheritance: Autosomal dominant inheritance. Affected: yes.
Comment: Criteria applied: PS2_MOD,PM2,PP2,PP3,PP4